The following is an entry in ClinVar:

NM_001008537.3(NEXMIF):c.1354G>T (p.Ala452Ser)

Gene: NEXMIF (neurite extension and migration factor; minus strand). Cytogenetic location: Xq13.3.
Variant type: single nucleotide variant.
Coding change: c.1354G>T on transcript NM_001008537.3 (MANE Select); coding-DNA position 1354, G replaced by T.
Protein change: p.Ala452Ser; replaces alanine 452 with serine.
Molecular consequence: missense variant.
Genome position (GRCh38, 1-based): chrX:74,743,203, C>A on the plus strand (G>T on the coding strand, the complement: NEXMIF is on the minus strand). VCF-style: chrX-74743203-C-A. GRCh37 (hg19) VCF-style: chrX-73963038-C-A.
Other names: c.1354G>T (NM_001008537.1); short protein forms A452S.
Identifiers: ClinVar variation 1002587 (VCV001002587.9), dbSNP rs1018986044, ClinGen allele CA331301790.

ClinVar aggregate classification (germline): Uncertain significance. Review status: criteria provided, multiple submitters, no conflicts (2 of 4 stars). 2 submissions from 2 submitters: Uncertain significance (2). Last evaluated 2024-03-07.

Allele frequency attached by ClinVar (database versions not stated): gnomAD exomes below 0.00001.
gnomAD v4.1: 1 of 1,211,084 alleles (0.000083%); highest among the groups gnomAD compares: African/African-American, 0.0017%; no homozygotes.

Submissions (2):

GeneDx
Classification: Uncertain significance. Last evaluated: 2024-03-07. Review status: criteria provided, single submitter. Criteria: GeneDx Variant Classification Process June 2021. Collection method: clinical testing. Allele origin: germline. Affected: yes.
Comment: Not observed at significant frequency in large population cohorts (gnomAD); In silico analysis supports that this missense variant does not alter protein structure/function; Has not been previously published as pathogenic or benign to our knowledge

Labcorp Genetics (formerly Invitae), Labcorp
Classification: Uncertain significance. Last evaluated: 2020-06-01. Review status: criteria provided, single submitter. Criteria: Invitae Variant Classification Sherloc (09022015). Collection method: clinical testing. Allele origin: germline.
Comment: This sequence change replaces alanine with serine at codon 452 of the NEXMIF protein (p.Ala452Ser). The alanine residue is moderately conserved and there is a moderate physicochemical difference between alanine and serine. This variant is not present in population databases (ExAC no frequency). This variant has not been reported in the literature in individuals with NEXMIF-related conditions. Algorithms developed to predict the effect of missense changes on protein structure and function output the following: SIFT: "Tolerated"; PolyPhen-2: "Benign"; Align-GVGD: "Class C0". The serine amino acid residue is found in multiple mammalian species, suggesting that this missense change does not adversely affect protein function. These predictions have not been confirmed by published functional studies and their clinical significance is uncertain. In summary, the available evidence is currently insufficient to determine the role of this variant in disease. Therefore, it has been classified as a Variant of Uncertain Significance.